The following is an entry in ClinVar:

NM_005762.3(TRIM28):c.1983-3T>G

Gene: TRIM28 (tripartite motif containing 28; plus strand). Cytogenetic location: 19q13.43.
Variant type: single nucleotide variant.
Coding change: c.1983-3T>G on transcript NM_005762.3 (MANE Select); 3 bases into the intron before coding-DNA position 1983, T replaced by G.
Molecular consequence: intron variant.
Genome position (GRCh38, 1-based): chr19:58,549,734, T>G. VCF-style: chr19-58549734-T-G. GRCh37 (hg19) VCF-style: chr19-59061101-T-G.
Identifiers: ClinVar variation 3661742 (VCV003661742.2).
Genomic context (GRCh38, chr19:58,549,734, plus strand): 5'-CAAGTCTGGGTGTTGGGCTGTCTGGACAGGATCATGTGCAGACCCTTATTTTCTTCACCC[T>G]AGGGAGGAGTGGAGCTGCTCACTCTGCCATGTGCTCCCTGACCTGAAGGAGGAGGATGGC-3'

ClinVar aggregate classification (germline): Uncertain significance (1 of 4 stars; one submission).

Submission:

Labcorp Genetics (formerly Invitae), Labcorp
Classification: Uncertain significance. Last evaluated: 2024-08-08. Review status: criteria provided, single submitter. Criteria: Invitae Variant Classification Sherloc (09022015). Collection method: clinical testing. Allele origin: germline.
Comment: This sequence change falls in intron 13 of the TRIM28 gene. It does not directly change the encoded amino acid sequence of the TRIM28 protein. It affects a nucleotide within the consensus splice site. This variant is not present in population databases (gnomAD no frequency). This variant has not been reported in the literature in individuals affected with TRIM28-related conditions. Variants that disrupt the consensus splice site are a relatively common cause of aberrant splicing (PMID: 17576681, 9536098). Algorithms developed to predict the effect of sequence changes on RNA splicing suggest that this variant may disrupt the consensus splice site. In summary, the available evidence is currently insufficient to determine the role of this variant in disease. Therefore, it has been classified as a Variant of Uncertain Significance.

Literature cited by the submitters: PubMed 17576681; PubMed 9536098.